The following is an entry in ClinVar:

ClinVar aggregate classification (germline): Likely benign (0 of 4 stars; one submission).

Conditions:
COL18A1-related disorder. Also called: COL18A1-related condition; COL18A1-related disorders.

gnomAD v4.1: 7 of 1,351,960 alleles (0.00052%); highest among the groups gnomAD compares: Non-Finnish European, 0.00074%; no homozygotes.

Submission:

PreventionGenetics, part of Exact Sciences
Classification: Likely benign for COL18A1-related condition. Last evaluated: 2019-03-15. Review status: no assertion criteria provided. Collection method: clinical testing. Allele origin: germline.
Comment: This variant is classified as likely benign based on ACMG/AMP sequence variant interpretation guidelines (Richards et al. 2015 PMID: 25741868, with internal and published modifications).

NM_001379500.1(COL18A1):c.2509-4A>T

Gene: COL18A1 (collagen type XVIII alpha 1 chain; plus strand). Cytogenetic location: 21q22.3.
Variant type: single nucleotide variant.
Coding change: c.2509-4A>T on transcript NM_001379500.1 (MANE Select); 4 bases into the intron before coding-DNA position 2509, A replaced by T.
Molecular consequence: intron variant.
Genome position (GRCh38, 1-based): chr21:45,496,496, A>T. VCF-style: chr21-45496496-A-T. GRCh37 (hg19) VCF-style: chr21-46916410-A-T.
Other names: c.3754-4A>T (NM_130444.3); c.3049-4A>T (NM_030582.4).
Identifiers: ClinVar variation 3047700 (VCV003047700.2), dbSNP rs775331354, ClinGen allele CA1022812908.